The following is an entry in ClinVar:

ClinVar aggregate classification (germline): Uncertain significance. Review status: criteria provided, multiple submitters, no conflicts (2 of 4 stars). 3 submissions from 3 submitters: Uncertain significance (3). Last evaluated 2024-01-30.

Conditions:
Autosomal recessive ataxia, Beauce type. Also called: Spinocerebellar ataxia, autosomal recessive 8; ATAXIA, RECESSIVE, OF BEAUCE; SYNE1 Deficiency; SYNE1-Related Autosomal Recessive Cerebellar Ataxia. Identifiers: Orphanet 88644, MedGen C1853116, MONDO:0012549, OMIM 610743.
Emery-Dreifuss muscular dystrophy 4, autosomal dominant (EDMD4). Also called: EMERY-DREIFUSS MUSCULAR DYSTROPHY 4 WITH VARIABLE FEATURES. Identifiers: Orphanet 261, MedGen C2751807, MONDO:0013071, OMIM 612998.

Allele frequency attached by ClinVar (database versions not stated): gnomAD 0.00005; ExAC 0.00006; gnomAD exomes 0.00006; TOPMed 0.00008; ESP Exome Variant Server 0.00015.
gnomAD v4.1: 60 of 1,613,780 alleles (0.0037%); highest among the groups gnomAD compares: Middle Eastern, 0.016%; no homozygotes.

Submissions (3):

Revvity Omics, Revvity
Classification: Uncertain significance. Last evaluated: 2024-01-30. Review status: criteria provided, single submitter. Criteria: ACMG Guidelines, 2015. Collection method: clinical testing. Allele origin: germline.

Labcorp Genetics (formerly Invitae), Labcorp
Classification: Uncertain significance for Emery-Dreifuss muscular dystrophy 4, autosomal dominant; Autosomal recessive ataxia, Beauce type. Last evaluated: 2022-08-09. Review status: criteria provided, single submitter. Criteria: Invitae Variant Classification Sherloc (09022015). Collection method: clinical testing. Allele origin: germline.
Comment: This sequence change replaces histidine, which is basic and polar, with tyrosine, which is neutral and polar, at codon 40 of the SYNE1 protein (p.His40Tyr). This variant is present in population databases (rs141719907, gnomAD 0.009%). This variant has not been reported in the literature in individuals affected with SYNE1-related conditions. ClinVar contains an entry for this variant (Variation ID: 288865). Algorithms developed to predict the effect of missense changes on protein structure and function are either unavailable or do not agree on the potential impact of this missense change (SIFT: "Deleterious"; PolyPhen-2: "Possibly Damaging"; Align-GVGD: "Class C0"). In summary, the available evidence is currently insufficient to determine the role of this variant in disease. Therefore, it has been classified as a Variant of Uncertain Significance.

Eurofins Ntd Llc (ga)
Classification: Uncertain significance. Last evaluated: 2017-09-22. Review status: criteria provided, single submitter. Criteria: EGL Classification Definitions 2015. Collection method: clinical testing. Allele origin: germline. Observed: 2 variant alleles, 2 heterozygotes.

NM_182961.4(SYNE1):c.118C>T (p.His40Tyr)

Gene: SYNE1 (spectrin repeat containing nuclear envelope protein 1; minus strand). Cytogenetic location: 6q25.2.
Variant type: single nucleotide variant.
Coding change: c.118C>T on transcript NM_182961.4 (MANE Select); coding-DNA position 118, C replaced by T.
Protein change: p.His40Tyr; replaces histidine 40 with tyrosine.
Molecular consequence: missense variant.
Genome position (GRCh38, 1-based): chr6:152,539,971, G>A on the plus strand (C>T on the coding strand, the complement: SYNE1 is on the minus strand). VCF-style: chr6-152539971-G-A. GRCh37 (hg19) VCF-style: chr6-152861106-G-A.
Other names: c.118C>T, p.His40Tyr (NM_033071.5); short protein forms H40Y.
Identifiers: ClinVar variation 288865 (VCV000288865.14), dbSNP rs141719907, ClinGen allele CA4059879.